The following is an entry in ClinVar:

ClinVar aggregate classification (germline): Uncertain significance (1 of 4 stars; one submission).

Conditions:
Kury-Isidor syndrome (KURIS). Identifiers: MedGen C5676925, MONDO:0859230, OMIM 619762.

Submission:

Dasa
Classification: Uncertain significance for Kury-Isidor syndrome. Last evaluated: 2025-05-29. Review status: criteria provided, single submitter. Criteria: DASA Assertion Criteria. Collection method: clinical testing. Allele origin: germline.
Comment: NM_004656.4(BAP1):c.712A>G (p.Arg238Gly) is a missense variant that results in the substitution of arginine with glycine. This variant is absent from population databases. The currently available literature and clinical evidence are not sufficient to establish a definitive association between this variant and the reported condition. Therefore, this variant is classified as a variant of uncertain significance.

NM_004656.4(BAP1):c.712A>G (p.Arg238Gly)

Gene: BAP1 (BRCA1 associated deubiquitinase 1; minus strand). Cytogenetic location: 3p21.1.
Variant type: single nucleotide variant.
Coding change: c.712A>G on transcript NM_004656.4 (MANE Select); coding-DNA position 712, A replaced by G.
Protein change: p.Arg238Gly; replaces arginine 238 with glycine.
Molecular consequence: missense variant. On other transcripts: splice acceptor variant (1).
Genome position (GRCh38, 1-based): chr3:52,406,324, T>C on the plus strand (A>G on the coding strand, the complement: BAP1 is on the minus strand). VCF-style: chr3-52406324-T-C. GRCh37 (hg19) VCF-style: chr3-52440340-T-C.
Other names: c.660-2A>G (NM_001410772.1); short protein forms R238G.
Identifiers: ClinVar variation 4882135 (VCV004882135.2).